The following is an entry in ClinVar:

ClinVar aggregate classification (germline): Uncertain significance (1 of 4 stars; one submission).

Conditions:
Hyperphosphatasia with impaired intellectual development syndrome 2. Also called: GLYCOSYLPHOSPHATIDYLINOSITOL BIOSYNTHESIS DEFECT 6; Hyperphosphatasia with intellectual disability syndrome 2. Identifiers: Orphanet 247262, MedGen C3553637, MONDO:0013882, OMIM 614749.

Allele frequency attached by ClinVar (database versions not stated): gnomAD 0.00004; gnomAD exomes below 0.00001 and 0.00006; ExAC 0.00001; TOPMed 0.00003.

Submission:

Labcorp Genetics (formerly Invitae), Labcorp
Classification: Uncertain significance for Hyperphosphatasia with impaired intellectual development syndrome 2. Last evaluated: 2022-02-24. Review status: criteria provided, single submitter. Criteria: Invitae Variant Classification Sherloc (09022015). Collection method: clinical testing. Allele origin: germline.
Comment: This sequence change replaces tryptophan, which is neutral and slightly polar, with arginine, which is basic and polar, at codon 12 of the PIGO protein (p.Trp12Arg). The frequency data for this variant in the population databases is considered unreliable, as metrics indicate poor data quality at this position in the gnomAD database. This variant has not been reported in the literature in individuals affected with PIGO-related conditions. ClinVar contains an entry for this variant (Variation ID: 473230). Algorithms developed to predict the effect of missense changes on protein structure and function are either unavailable or do not agree on the potential impact of this missense change (SIFT: "Deleterious"; PolyPhen-2: "Probably Damaging"; Align-GVGD: "Class C0"). In summary, the available evidence is currently insufficient to determine the role of this variant in disease. Therefore, it has been classified as a Variant of Uncertain Significance.

NM_032634.4(PIGO):c.34T>C (p.Trp12Arg)

Gene: PIGO (phosphatidylinositol glycan anchor biosynthesis class O; minus strand). Cytogenetic location: 9p13.3.
Variant type: single nucleotide variant.
Coding change: c.34T>C on transcript NM_032634.4 (MANE Select); coding-DNA position 34, T replaced by C.
Protein change: p.Trp12Arg; replaces tryptophan 12 with arginine.
Molecular consequence: missense variant.
Genome position (GRCh38, 1-based): chr9:35,095,532, A>G on the plus strand (T>C on the coding strand, the complement: PIGO is on the minus strand). VCF-style: chr9-35095532-A-G. GRCh37 (hg19) VCF-style: chr9-35095529-A-G.
Other names: c.34T>C, p.Trp12Arg (NM_001201484.2, NM_152850.4); short protein forms W12R.
Identifiers: ClinVar variation 473230 (VCV000473230.6), dbSNP rs779967894, ClinGen allele CA5041019.